The following is an entry in ClinVar:

ClinVar aggregate classification (germline): Uncertain significance (1 of 4 stars; one submission).

Conditions:
GM3 synthase deficiency (SPDRS). Also called: SALT AND PEPPER MENTAL RETARDATION SYNDROME; SALT AND PEPPER DEVELOPMENTAL REGRESSION SYNDROME; AMISH INFANTILE EPILEPSY SYNDROME. Identifiers: Orphanet 171714, Orphanet 370933, MedGen C1836824, MONDO:0018274, OMIM 609056.

gnomAD v4.1: 3 of 1,614,146 alleles (0.00019%); highest among the groups gnomAD compares: Middle Eastern, 0.016%; no homozygotes.

Submission:

Labcorp Genetics (formerly Invitae), Labcorp
Classification: Uncertain significance for GM3 synthase deficiency. Last evaluated: 2024-09-23. Review status: criteria provided, single submitter. Criteria: Invitae Variant Classification Sherloc (09022015). Collection method: clinical testing. Allele origin: germline.
Comment: This sequence change replaces tyrosine, which is neutral and polar, with cysteine, which is neutral and slightly polar, at codon 35 of the ST3GAL5 protein (p.Tyr35Cys). This variant is not present in population databases (gnomAD no frequency). This variant has not been reported in the literature in individuals affected with ST3GAL5-related conditions. ClinVar contains an entry for this variant (Variation ID: 1951046). An algorithm developed to predict the effect of missense changes on protein structure and function outputs the following: PolyPhen-2: "Benign". The cysteine amino acid residue is found in multiple mammalian species, which suggests that this missense change does not adversely affect protein function. In summary, the available evidence is currently insufficient to determine the role of this variant in disease. Therefore, it has been classified as a Variant of Uncertain Significance.

NM_003896.4(ST3GAL5):c.104A>G (p.Tyr35Cys)

Gene: ST3GAL5 (ST3 beta-galactoside alpha-2,3-sialyltransferase 5; minus strand). Cytogenetic location: 2p11.2.
Variant type: single nucleotide variant.
Coding change: c.104A>G on transcript NM_003896.4 (MANE Select); coding-DNA position 104, A replaced by G.
Protein change: p.Tyr35Cys; replaces tyrosine 35 with cysteine.
Molecular consequence: missense variant. On other transcripts: 5 prime UTR variant (5).
Genome position (GRCh38, 1-based): chr2:85,863,464, T>C on the plus strand (A>G on the coding strand, the complement: ST3GAL5 is on the minus strand). VCF-style: chr2-85863464-T-C. GRCh37 (hg19) VCF-style: chr2-86090587-T-C.
Other names: c.35A>G, p.Tyr12Cys (NM_001042437.2); c.-458A>G (NM_001354223.2, NM_001354226.2); c.-521A>G (NM_001354224.2); c.20A>G, p.Tyr7Cys (NM_001354227.2, NM_001354229.2, NM_001354238.1); c.-898A>G (NM_001354233.2); c.-862A>G (NM_001354234.1); c.104A>G, p.Tyr35Cys (NM_001363847.1); short protein forms Y35C, Y7C, Y12C.
Identifiers: ClinVar variation 1951046 (VCV001951046.3), dbSNP rs1157543347, ClinGen allele CA347535006.